The following is an entry in ClinVar:

ClinVar aggregate classification (germline): Benign (1 of 4 stars; one submission).

Allele frequency attached by ClinVar (database versions not stated): 1000 Genomes Project 0.18570; 1000 Genomes Project 30x 0.18832; gnomAD 0.26596 and 0.27011; TOPMed 0.28164.
gnomAD v4.1: 40,736 of 152,176 alleles (27%); highest among the groups gnomAD compares: Admixed American, 38%; 6,497 homozygotes.

Submission:

GeneDx
Classification: Benign. Last evaluated: 2018-06-14. Review status: criteria provided, single submitter. Criteria: GeneDx Variant Classification (06012015). Collection method: clinical testing. Allele origin: germline. Affected: yes.
Comment: This variant is considered likely benign or benign based on one or more of the following criteria: it is a conservative change, it occurs at a poorly conserved position in the protein, it is predicted to be benign by multiple in silico algorithms, and/or has population frequency not consistent with disease.

NM_006767.4(LZTR1):c.993+159C>T

Gene: LZTR1 (leucine zipper like post translational regulator 1; plus strand). Cytogenetic location: 22q11.21.
Variant type: single nucleotide variant.
Coding change: c.993+159C>T on transcript NM_006767.4 (MANE Select); 159 bases into the intron after coding-DNA position 993, C replaced by T.
Molecular consequence: intron variant.
Genome position (GRCh38, 1-based): chr22:20,991,988, C>T. VCF-style: chr22-20991988-C-T. GRCh37 (hg19) VCF-style: chr22-21346277-C-T.
Identifiers: ClinVar variation 561582 (VCV000561582.1), dbSNP rs62238541, ClinGen allele CA14920734.
Genomic context (GRCh38, chr22:20,991,988, plus strand): 5'-TCCAGACAGCTACCAGGAGCAAGGCCAGGACACCTGGGCCTCAGCCCTGGACACCTGCCC[C>T]GGCCTCCAGCCCCAGCTTCACCCCACAGCCTGCAGGTAGTTAACGCTTCACACCCCATCA-3'